The following is an entry in ClinVar:

NM_170606.3(KMT2C):c.9363G>A (p.Met3121Ile)

Gene: KMT2C (lysine methyltransferase 2C; minus strand). Cytogenetic location: 7q36.1.
Variant type: single nucleotide variant.
Coding change: c.9363G>A on transcript NM_170606.3 (MANE Select); coding-DNA position 9363, G replaced by A.
Protein change: p.Met3121Ile; replaces methionine 3121 with isoleucine.
Molecular consequence: missense variant.
Genome position (GRCh38, 1-based): chr7:152,174,142, C>T on the plus strand (G>A on the coding strand, the complement: KMT2C is on the minus strand). VCF-style: chr7-152174142-C-T. GRCh37 (hg19) VCF-style: chr7-151871227-C-T.
Other names: short protein forms M3121I.
Identifiers: ClinVar variation 2721348 (VCV002721348.5), dbSNP rs1049142169, ClinGen allele CA169202267.
Genomic context (GRCh38, chr7:152,174,142, plus strand): 5'-TTCATGAATGTCTAGATGCCCAGTAGAAACAAGCAGCCACTCCACCTACCTGCTCATCAC[C>T]ATTGGTGGCATGCCCAGATTGTTTTGTGCCATCACTTTATTTATACCTTTAAGGGCCACC-3'
Protein context (NP_733751.2, residues 3111-3131): MAQNNLGMPP[Met3121Ile]VMSRFPFMGQ

ClinVar aggregate classification (germline): Conflicting classifications of pathogenicity. Review status: criteria provided, conflicting classifications (1 of 4 stars). 3 submissions from 3 submitters: Uncertain significance (2); Likely benign (1). Last evaluated 2026-01-30.

Allele frequency attached by ClinVar (database versions not stated): gnomAD 0.00001.

Submissions (3):

Women's Health and Genetics/Laboratory Corporation of America, LabCorp
Classification: Uncertain significance. Last evaluated: 2026-01-30. Review status: criteria provided, single submitter. Criteria: LabCorp Variant Classification Summary - May 2015. Collection method: clinical testing. Allele origin: germline.
Comment: Variant summary: KMT2C c.9363G>A (p.Met3121Ile) results in a conservative amino acid change in the encoded protein sequence. Algorithms developed to predict the effect of missense changes on protein structure and function are either unavailable or do not agree on the potential impact of this missense change. The variant was absent in 245582 control chromosomes. The available data on variant occurrences in the general population are insufficient to allow any conclusion about variant significance. To our knowledge, no occurrence of c.9363G>A in individuals affected with KMT2C-related conditions and no experimental evidence demonstrating its impact on protein function have been reported. ClinVar contains an entry for this variant (Variation ID: 2721348). Based on the evidence outlined above, the variant was classified as uncertain significance.

Blueprint Genetics
Classification: Likely benign. Last evaluated: 2024-11-06. Review status: criteria provided, single submitter. Criteria: ACMG Guidelines, 2015. Collection method: clinical testing. Allele origin: germline.

Labcorp Genetics (formerly Invitae), Labcorp
Classification: Uncertain significance. Last evaluated: 2023-05-25. Review status: criteria provided, single submitter. Criteria: Invitae Variant Classification Sherloc (09022015). Collection method: clinical testing. Allele origin: germline.
Comment: In summary, the available evidence is currently insufficient to determine the role of this variant in disease. Therefore, it has been classified as a Variant of Uncertain Significance. Advanced modeling of protein sequence and biophysical properties (such as structural, functional, and spatial information, amino acid conservation, physicochemical variation, residue mobility, and thermodynamic stability) performed at Invitae indicates that this missense variant is not expected to disrupt KMT2C protein function. This variant has not been reported in the literature in individuals affected with KMT2C-related conditions. This variant is present in population databases (no rsID available, gnomAD 0.06%). This sequence change replaces methionine, which is neutral and non-polar, with isoleucine, which is neutral and non-polar, at codon 3121 of the KMT2C protein (p.Met3121Ile).